The following is an entry in ClinVar:

ClinVar aggregate classification (germline): Uncertain significance (1 of 4 stars; one submission).

Conditions:
Intellectual disability. Also called: Intellectual functioning disability; intellectual disabilities; Intellectual developmental disorder. Identifiers: MedGen C3714756, MeSH D008607, MONDO:0001071, HP:0001249.

Submission:

Labcorp Genetics (formerly Invitae), Labcorp
Classification: Uncertain significance for Intellectual disability. Last evaluated: 2025-09-04. Review status: criteria provided, single submitter. Criteria: Invitae Variant Classification Sherloc (09022015). Collection method: clinical testing. Allele origin: germline.
Comment: This sequence change replaces proline, which is neutral and non-polar, with leucine, which is neutral and non-polar, at codon 59 of the GABRB2 protein (p.Pro59Leu). This variant is not present in population databases (gnomAD no frequency). This variant has not been reported in the literature in individuals affected with GABRB2-related conditions. Invitae Evidence Modeling of protein sequence and biophysical properties (such as structural, functional, and spatial information, amino acid conservation, physicochemical variation, residue mobility, and thermodynamic stability) indicates that this missense variant is expected to disrupt GABRB2 protein function with a positive predictive value of 95%. In summary, the available evidence is currently insufficient to determine the role of this variant in disease. Therefore, it has been classified as a Variant of Uncertain Significance.

NM_001371727.1(GABRB2):c.176C>T (p.Pro59Leu)

Gene: GABRB2 (gamma-aminobutyric acid type A receptor subunit beta2; minus strand). Cytogenetic location: 5q34.
Variant type: single nucleotide variant.
Coding change: c.176C>T on transcript NM_001371727.1 (MANE Select); coding-DNA position 176, C replaced by T.
Protein change: p.Pro59Leu; replaces proline 59 with leucine.
Molecular consequence: missense variant.
Genome position (GRCh38, 1-based): chr5:161,545,288, G>A on the plus strand (C>T on the coding strand, the complement: GABRB2 is on the minus strand). VCF-style: chr5-161545288-G-A. GRCh37 (hg19) VCF-style: chr5-160972294-G-A.
Other names: c.176C>T, p.Pro59Leu (NM_000813.3, NM_021911.3); short protein forms P59L.
Identifiers: ClinVar variation 4801569 (VCV004801569.1).